The following is an entry in ClinVar:

ClinVar aggregate classification (germline): Uncertain significance (1 of 4 stars; one submission).

gnomAD v4.1: 27 of 1,602,012 alleles (0.0017%); highest among the groups gnomAD compares: East Asian, 0.0022%; no homozygotes.

Submission:

Athena Diagnostics
Classification: Uncertain significance. Last evaluated: 2024-12-04. Review status: criteria provided, single submitter. Criteria: Athena Diagnostics Criteria. Collection method: clinical testing. Allele origin: unknown.
Comment: Available data are insufficient to determine the clinical significance of the variant at this time. The frequency of this variant in the general population is uninformative in assessment of its pathogenicity. Polyphen and MutationTaster predict this amino acid change may be benign.

NM_006946.4(SPTBN2):c.3179C>T (p.Ser1060Leu)

Gene: SPTBN2 (spectrin beta, non-erythrocytic 2; minus strand). Cytogenetic location: 11q13.2.
Variant type: single nucleotide variant.
Coding change: c.3179C>T on transcript NM_006946.4 (MANE Select); coding-DNA position 3179, C replaced by T.
Protein change: p.Ser1060Leu; replaces serine 1060 with leucine.
Molecular consequence: missense variant.
Genome position (GRCh38, 1-based): chr11:66,700,920, G>A on the plus strand (C>T on the coding strand, the complement: SPTBN2 is on the minus strand). VCF-style: chr11-66700920-G-A. GRCh37 (hg19) VCF-style: chr11-66468391-G-A.
Other names: c.3200C>T, p.Ser1067Leu (NM_001411025.1); short protein forms S1067L, S1060L.
Identifiers: ClinVar variation 3571875 (VCV003571875.2).